The following is an entry in ClinVar:

ClinVar aggregate classification (germline): Uncertain significance. Review status: criteria provided, multiple submitters, no conflicts (2 of 4 stars). 2 submissions from 2 submitters: Uncertain significance (2). Last evaluated 2019-08-22.

Conditions:
Ehlers-Danlos syndrome, type 4 (EDSVASC). Also called: Ehlers-Danlos syndrome vascular type; Ehlers Danlos syndrome, ecchymotic type; Ehlers Danlos syndrome, arterial type; Ehlers Danlos syndrome, Sack-Barabas type; Ehlers-Danlos Syndrome Type IV. Identifiers: Orphanet 286, MedGen C0268338, MONDO:0017314, OMIM 130050.

Allele frequency attached by ClinVar (database versions not stated): gnomAD exomes below 0.00001.

Submissions (2):

GeneDx
Classification: Uncertain significance. Last evaluated: 2019-08-22. Review status: criteria provided, single submitter. Criteria: GeneDx Variant Classification Process June 2021. Collection method: clinical testing. Allele origin: germline. Affected: yes.
Comment: Not observed at a significant frequency in large population cohorts (Lek et al., 2016); In-silico analysis, which includes splice predictors and evolutionary conservation, is inconclusive as to whether the variant alters gene splicing. In the absence of RNA/functional studies, the actual effect of this sequence change is unknown.

Illumina Laboratory Services, Illumina
Classification: Uncertain significance for Ehlers-Danlos syndrome, type 4. Last evaluated: 2018-01-13. Review status: criteria provided, single submitter. Criteria: ICSL Variant Classification Criteria 13 December 2019. Collection method: clinical testing. Allele origin: germline.

NM_000090.4(COL3A1):c.3525+3A>C

Gene: COL3A1 (collagen type III alpha 1 chain; plus strand). Cytogenetic location: 2q32.2.
Variant type: single nucleotide variant.
Coding change: c.3525+3A>C on transcript NM_000090.4 (MANE Select); 3 bases into the intron after coding-DNA position 3525, A replaced by C.
Molecular consequence: intron variant.
Genome position (GRCh38, 1-based): chr2:189,008,145, A>C. VCF-style: chr2-189008145-A-C. GRCh37 (hg19) VCF-style: chr2-189872871-A-C.
Identifiers: ClinVar variation 450751 (VCV000450751.7), dbSNP rs1553509674, ClinGen allele CA658657191.